The following is an entry in ClinVar:

NM_021831.6(AGBL5):c.1836C>G (p.Asn612Lys)

Gene: AGBL5 (AGBL carboxypeptidase 5; plus strand). Cytogenetic location: 2p23.3.
Variant type: single nucleotide variant.
Coding change: c.1836C>G on transcript NM_021831.6 (MANE Select); coding-DNA position 1836, C replaced by G.
Protein change: p.Asn612Lys; replaces asparagine 612 with lysine.
Molecular consequence: missense variant. On other transcripts: non-coding transcript variant (2).
Genome position (GRCh38, 1-based): chr2:27,058,564, C>G. VCF-style: chr2-27058564-C-G. GRCh37 (hg19) VCF-style: chr2-27281432-C-G.
Other names: c.1836C>G, p.Asn612Lys (NM_001035506.1, NM_001035507.3); short protein forms N612K.
Identifiers: ClinVar variation 1944622 (VCV001944622.5), dbSNP rs778999758, ClinGen allele CA346186932.

ClinVar aggregate classification (germline): Uncertain significance (1 of 4 stars; one submission).

gnomAD v4.1: 1 of 1,614,108 alleles (0.000062%); highest among the groups gnomAD compares: Non-Finnish European, 0.000085%; no homozygotes.

Submission:

Labcorp Genetics (formerly Invitae), Labcorp
Classification: Uncertain significance. Last evaluated: 2025-02-03. Review status: criteria provided, single submitter. Criteria: Invitae Variant Classification Sherloc (09022015). Collection method: clinical testing. Allele origin: germline.
Comment: This sequence change replaces asparagine, which is neutral and polar, with lysine, which is basic and polar, at codon 612 of the AGBL5 protein (p.Asn612Lys). This variant is not present in population databases (gnomAD no frequency). This variant has not been reported in the literature in individuals affected with AGBL5-related conditions. ClinVar contains an entry for this variant (Variation ID: 1944622). An algorithm developed to predict the effect of missense changes on protein structure and function (PolyPhen-2) suggests that this variant is likely to be tolerated. In summary, the available evidence is currently insufficient to determine the role of this variant in disease. Therefore, it has been classified as a Variant of Uncertain Significance.